The following is an entry in ClinVar:

NM_001111.5(ADAR):c.763C>T (p.Gln255Ter)

Gene: ADAR (adenosine deaminase RNA specific; minus strand). Cytogenetic location: 1q21.3.
Variant type: single nucleotide variant.
Coding change: c.763C>T on transcript NM_001111.5 (MANE Select); coding-DNA position 763, C replaced by T.
Protein change: p.Gln255Ter; replaces glutamine 255 with a stop codon.
Molecular consequence: nonsense. On other transcripts: 5 prime UTR variant (6).
Genome position (GRCh38, 1-based): chr1:154,601,879, G>A on the plus strand (C>T on the coding strand, the complement: ADAR is on the minus strand). VCF-style: chr1-154601879-G-A. GRCh37 (hg19) VCF-style: chr1-154574355-G-A.
Other names: c.-123C>T (NM_001025107.3, NM_001193495.2, NM_001365046.1 and 3 more transcripts); c.790C>T, p.Gln264Ter (NM_001365045.1); c.763C>T, p.Gln255Ter (NM_015840.4, NM_015841.4); short protein forms Q264*, Q255*.
Identifiers: ClinVar variation 1451454 (VCV001451454.6), dbSNP rs2101641985, ClinGen allele CA342600111.
Genomic context (GRCh38, chr1:154,601,879, plus strand): 5'-CTGGGTCTGAGTTTGGGGATCCTTGGCTATGACTGTCTGGTCTTACCACTCCGCTGTGCT[G>A]GTTCCAAGCCTGAGCTGAGACTGCAATAAAAGGCTCAAGAAGATCTTCTGAGACAGATGT-3'

ClinVar aggregate classification (germline): Pathogenic (1 of 4 stars; one submission).

Conditions:
Symmetrical dyschromatosis of extremities (DSH). Also called: RETICULATE ACROPIGMENTATION OF DOHI; SYMMETRIC DYSCHROMATOSIS OF THE EXTREMITIES; Dyschromatosis symmetrica hereditaria; DYSCHROMATOSIS SYMMETRICA HEREDITARIA 1. Identifiers: Orphanet 41, MedGen C0406775, MONDO:0007483, OMIM 127400.
Aicardi-Goutieres syndrome 6 (AGS6). Identifiers: Orphanet 51, MedGen C3539013, MONDO:0014007, OMIM 615010.

Submission:

Labcorp Genetics (formerly Invitae), Labcorp
Classification: Pathogenic for Aicardi-Goutieres syndrome 6; Symmetrical dyschromatosis of extremities. Last evaluated: 2022-04-18. Review status: criteria provided, single submitter. Criteria: Invitae Variant Classification Sherloc (09022015). Collection method: clinical testing. Allele origin: germline.
Comment: For these reasons, this variant has been classified as Pathogenic. This variant has not been reported in the literature in individuals affected with ADAR-related conditions. This variant is not present in population databases (gnomAD no frequency). This sequence change creates a premature translational stop signal (p.Gln255*) in the ADAR gene. It is expected to result in an absent or disrupted protein product. Loss-of-function variants in ADAR are known to be pathogenic (PMID: 22974014).

Literature cited by the submitters: PubMed 22974014.